The following is an entry in ClinVar:

ClinVar aggregate classification (germline): Uncertain significance (1 of 4 stars; one submission).

Conditions:
Hereditary cancer-predisposing syndrome. Also called: Hereditary Cancer Syndrome; Hereditary neoplastic syndrome; Tumor predisposition; Neoplastic Syndromes, Hereditary. Identifiers: Orphanet 140162, MedGen C0027672, MeSH D009386, MONDO:0015356.

Submission:

Ambry Genetics
Classification: Uncertain significance for Hereditary cancer-predisposing syndrome. Last evaluated: 2022-03-04. Review status: criteria provided, single submitter. Criteria: Ambry Variant Classification Scheme 2023. Collection method: clinical testing. Allele origin: germline.
Comment: The p.Q4K variant (also known as c.10C>A), located in coding exon 1 of the TSC1 gene, results from a C to A substitution at nucleotide position 10. The glutamine at codon 4 is replaced by lysine, an amino acid with similar properties. This amino acid position is conserved. In addition, the in silico prediction for this alteration is inconclusive. Since supporting evidence is limited at this time, the clinical significance of this alteration remains unclear.

NM_000368.5(TSC1):c.10C>A (p.Gln4Lys)

Gene: TSC1 (TSC complex subunit 1; minus strand). Cytogenetic location: 9q34.13.
Variant type: single nucleotide variant.
Coding change: c.10C>A on transcript NM_000368.5 (MANE Select); coding-DNA position 10, C replaced by A.
Protein change: p.Gln4Lys; replaces glutamine 4 with lysine.
Molecular consequence: missense variant. On other transcripts: 5 prime UTR variant (1).
Genome position (GRCh38, 1-based): chr9:132,928,863, G>T on the plus strand (C>A on the coding strand, the complement: TSC1 is on the minus strand). VCF-style: chr9-132928863-G-T. GRCh37 (hg19) VCF-style: chr9-135804250-G-T.
Other names: c.10C>A, p.Gln4Lys (NM_001162426.2, NM_001162427.2, NM_001406592.1 and 21 more transcripts); c.-250C>A (NM_001362177.2, NM_001406617.1, NM_001406619.1 and 3 more transcripts); c.-342C>A (NM_001406614.1); c.-479C>A (NM_001406615.1, NM_001406623.1); c.-446C>A (NM_001406616.1, NM_001406624.1); c.-868C>A (NM_001406626.1, NM_001406627.1, NM_001406628.1); c.-1010C>A (NM_001406629.1); c.-1084C>A (NM_001406630.1); short protein forms Q4K.
Identifiers: ClinVar variation 1791942 (VCV001791942.2), dbSNP rs753838459, ClinGen allele CA375375457.